The following is an entry in ClinVar:

NM_003072.5(SMARCA4):c.1425C>T (p.Tyr475=)

Gene: SMARCA4 (SWI/SNF related BAF chromatin remodeling complex subunit ATPase 4; plus strand). Cytogenetic location: 19p13.2.
Variant type: single nucleotide variant.
Coding change: c.1425C>T on transcript NM_003072.5 (MANE Select); coding-DNA position 1425, C replaced by T.
Protein change: p.Tyr475=; no amino-acid change (tyrosine 475 retained).
Molecular consequence: synonymous variant. On other transcripts: non-coding transcript variant (1).
Genome position (GRCh38, 1-based): chr19:10,994,833, C>T. VCF-style: chr19-10994833-C-T. GRCh37 (hg19) VCF-style: chr19-11105509-C-T.
Other names: c.1425C>T, p.Tyr475= (NM_001128844.3, NM_001128845.2, NM_001128846.2 and 5 more transcripts).
Identifiers: ClinVar variation 484855 (VCV000484855.15), dbSNP rs1377250142, ClinGen allele CA505490284.

ClinVar aggregate classification (germline): Benign/Likely benign. Review status: criteria provided, multiple submitters, no conflicts (2 of 4 stars). 3 submissions from 3 submitters: Benign (1); Likely benign (2). Last evaluated 2026-07-10.

Conditions:
Hereditary cancer-predisposing syndrome. Also called: Tumor predisposition; Neoplastic Syndromes, Hereditary; Hereditary Cancer Syndrome; Hereditary neoplastic syndrome. Identifiers: Orphanet 140162, MedGen C0027672, MeSH D009386, MONDO:0015356.
Rhabdoid tumor predisposition syndrome 2 (RTPS2). Identifiers: Orphanet 231108, Orphanet 69077, MedGen C2750074, MONDO:0013224, OMIM 613325.

Allele frequency attached by ClinVar (database versions not stated): gnomAD exomes below 0.00001.
gnomAD v4.1: 7 of 1,613,912 alleles (0.00043%); highest among the groups gnomAD compares: Non-Finnish European, 0.00051%; no homozygotes.

Submissions (3):

Myriad Genetics, Inc.
Classification: Benign for Rhabdoid tumor predisposition syndrome 2. Last evaluated: 2026-07-10. Review status: criteria provided, single submitter. Criteria: Myriad Autosomal Dominant, Autosomal Recessive and X-Linked Classification Criteria (2023). Collection method: clinical testing. Allele origin: unknown.
Comment: This variant is considered benign. This variant is a silent/synonymous amino acid change and it is not expected to impact splicing.

Labcorp Genetics (formerly Invitae), Labcorp
Classification: Likely benign for Rhabdoid tumor predisposition syndrome 2. Last evaluated: 2025-07-03. Review status: criteria provided, single submitter. Criteria: Invitae Variant Classification Sherloc (09022015). Collection method: clinical testing. Allele origin: germline.

Ambry Genetics
Classification: Likely benign for Hereditary cancer-predisposing syndrome. Last evaluated: 2017-04-17. Review status: criteria provided, single submitter. Criteria: Ambry Variant Classification Scheme 2023. Collection method: clinical testing. Allele origin: germline.